The following is an entry in ClinVar:

NM_153240.5(NPHP3):c.135C>G (p.Phe45Leu)

Genes: NPHP3 (nephrocystin 3; minus strand), NPHP3-AS1 (NPHP3 antisense RNA 1; plus strand), NPHP3-ACAD11 (NPHP3-ACAD11 readthrough (NMD candidate); minus strand), LOC129937586 (ATAC-STARR-seq lymphoblastoid silent region 14743; plus strand). Cytogenetic location: 3q22.1.
Variant type: single nucleotide variant.
Coding change: c.135C>G on transcript NM_153240.5 (MANE Select); coding-DNA position 135, C replaced by G.
Protein change: p.Phe45Leu; replaces phenylalanine 45 with leucine.
Molecular consequence: missense variant. On other transcripts: non-coding transcript variant (3).
Genome position (GRCh38, 1-based): chr3:132,722,221, G>C on the plus strand (C>G on the coding strand, the complement: NPHP3 is on the minus strand). VCF-style: chr3-132722221-G-C. GRCh37 (hg19) VCF-style: chr3-132441065-G-C.
Other names: short protein forms F45L.
Identifiers: ClinVar variation 4848212 (VCV004848212.1).

ClinVar aggregate classification (germline): Uncertain significance (1 of 4 stars; one submission).

Submission:

Women's Health and Genetics/Laboratory Corporation of America, LabCorp
Classification: Uncertain significance. Last evaluated: 2026-02-19. Review status: criteria provided, single submitter. Criteria: LabCorp Variant Classification Summary - May 2015. Collection method: clinical testing. Allele origin: germline.
Comment: Variant summary: NPHP3 c.135C>G (p.Phe45Leu) results in a non-conservative amino acid change in the encoded protein sequence. Algorithms developed to predict the effect of missense changes on protein structure and function are either unavailable or do not agree on the potential impact of this missense change. The variant was absent in 164434 control chromosomes. The available data on variant occurrences in the general population are insufficient to allow any conclusion about variant significance. To our knowledge, no occurrence of c.135C>G in individuals affected with NPHP3-related conditions and no experimental evidence demonstrating its impact on protein function have been reported. No submitters have cited clinical-significance assessments for this variant to ClinVar. Based on the evidence outlined above, the variant was classified as uncertain significance.